The following is an entry in ClinVar:

ClinVar aggregate classification (germline): Pathogenic (1 of 4 stars; one submission).

Conditions:
Charcot-Marie-Tooth disease axonal type 2V. Also called: CHARCOT-MARIE-TOOTH NEUROPATHY, TYPE 2V; CHARCOT-MARIE-TOOTH DISEASE, AXONAL, AUTOSOMAL DOMINANT, TYPE 2V. Identifiers: Orphanet 447964, MedGen C5569050, MONDO:0014665, OMIM 616491.
Mucopolysaccharidosis, MPS-III-B (MPS3B). Also called: N-ACETYL-ALPHA-D-GLUCOSAMINIDASE DEFICIENCY; NAGLU DEFICIENCY; SANFILIPPO SYNDROME B; MPS III B; Mucopolysaccharidosis type IIIB (Sanfilippo B); MUCOPOLYSACCHARIDOSIS, TYPE IIIB. Identifiers: Orphanet 79270, MedGen C0086648, MONDO:0009656, OMIM 252920.

Submission:

Labcorp Genetics (formerly Invitae), Labcorp
Classification: Pathogenic for Charcot-Marie-Tooth disease axonal type 2V; Mucopolysaccharidosis, MPS-III-B. Last evaluated: 2024-09-15. Review status: criteria provided, single submitter. Criteria: Invitae Variant Classification Sherloc (09022015). Collection method: clinical testing. Allele origin: germline.
Comment: This sequence change creates a premature translational stop signal (p.Gln645*) in the NAGLU gene. While this is not anticipated to result in nonsense mediated decay, it is expected to disrupt the last 99 amino acid(s) of the NAGLU protein. This variant is not present in population databases (gnomAD no frequency). This variant has not been reported in the literature in individuals affected with NAGLU-related conditions. This variant disrupts a region of the NAGLU protein in which other variant(s) (p.Gln706*) have been determined to be pathogenic (PMID: 9443875, 29661560). This suggests that this is a clinically significant region of the protein, and that variants that disrupt it are likely to be disease-causing. For these reasons, this variant has been classified as Pathogenic.

Literature cited by the submitters: PubMed 9443875; PubMed 29661560.

NM_000263.4(NAGLU):c.1933C>T (p.Gln645Ter)

Gene: NAGLU (N-acetyl-alpha-glucosaminidase; plus strand). Cytogenetic location: 17q21.2.
Variant type: single nucleotide variant.
Coding change: c.1933C>T on transcript NM_000263.4 (MANE Select); coding-DNA position 1933, C replaced by T.
Protein change: p.Gln645Ter; replaces glutamine 645 with a stop codon.
Molecular consequence: nonsense.
Genome position (GRCh38, 1-based): chr17:42,543,939, C>T. VCF-style: chr17-42543939-C-T. GRCh37 (hg19) VCF-style: chr17-40695957-C-T.
Other names: short protein forms Q645*.
Identifiers: ClinVar variation 3749412 (VCV003749412.2).
Genomic context (GRCh38, chr17:42,543,939, plus strand): 5'-GCCCGAGCAGCGGCAGTCAGTGAGGCCGAGGCCGATTTCTACGAGCAGAACAGCCGCTAC[C>T]AGCTGACCTTGTGGGGGCCAGAAGGCAACATCCTGGACTATGCCAACAAGCAGCTGGCGG-3'